The following is an entry in ClinVar:

NM_022124.6(CDH23):c.1140+1G>T

Gene: CDH23 (cadherin related 23; plus strand). Cytogenetic location: 10q22.1.
Variant type: single nucleotide variant.
Coding change: c.1140+1G>T on transcript NM_022124.6 (MANE Select); the canonical splice donor site of the intron after coding-DNA position 1140, G replaced by T.
Molecular consequence: splice donor variant.
Genome position (GRCh38, 1-based): chr10:71,643,867, G>T. VCF-style: chr10-71643867-G-T. GRCh37 (hg19) VCF-style: chr10-73403624-G-T.
Other names: c.1140+1G>T (NM_001171930.2, NM_001171931.2, NM_052836.4).
Identifiers: ClinVar variation 2975690 (VCV002975690.3), dbSNP rs771002870, ClinGen allele CA5543672.

ClinVar aggregate classification (germline): Likely pathogenic (1 of 4 stars; one submission).

Allele frequency attached by ClinVar (database versions not stated): gnomAD exomes below 0.00001; ExAC 0.00001.
gnomAD v4.1: 1 of 766,136 alleles (0.00013%); highest among the groups gnomAD compares: South Asian, 0.0013%; no homozygotes.

Submission:

Labcorp Genetics (formerly Invitae), Labcorp
Classification: Likely pathogenic. Last evaluated: 2023-04-12. Review status: criteria provided, single submitter. Criteria: Invitae Variant Classification Sherloc (09022015). Collection method: clinical testing. Allele origin: germline.
Comment: In summary, the currently available evidence indicates that the variant is pathogenic, but additional data are needed to prove that conclusively. Therefore, this variant has been classified as Likely Pathogenic. Algorithms developed to predict the effect of sequence changes on RNA splicing suggest that this variant may disrupt the consensus splice site. This variant has not been reported in the literature in individuals affected with CDH23-related conditions. This variant is present in population databases (rs771002870, gnomAD 0.003%). This sequence change affects a donor splice site in intron 12 of the CDH23 gene. It is expected to disrupt RNA splicing. Variants that disrupt the donor or acceptor splice site typically lead to a loss of protein function (PMID: 16199547), and loss-of-function variants in CDH23 are known to be pathogenic (PMID: 11138009, 21940737).

Literature cited by the submitters: PubMed 16199547; PubMed 11138009; PubMed 21940737.